The following is an entry in ClinVar:

NM_000059.4(BRCA2):c.9692C>T (p.Ser3231Leu)

Gene: BRCA2 (BRCA2 DNA repair associated; plus strand). Cytogenetic location: 13q13.1.
Variant type: single nucleotide variant.
Coding change: c.9692C>T on transcript NM_000059.4 (MANE Select); coding-DNA position 9692, C replaced by T.
Protein change: p.Ser3231Leu; replaces serine 3231 with leucine.
Molecular consequence: missense variant.
Genome position (GRCh38, 1-based): chr13:32,398,205, C>T. VCF-style: chr13-32398205-C-T. GRCh37 (hg19) VCF-style: chr13-32972342-C-T.
Other names: c.9596C>T, p.Ser3199Leu (NM_001406719.1); c.9641C>T, p.Ser3214Leu (NM_001406720.1); c.4760C>T, p.Ser1587Leu (NM_001406721.1); c.3275C>T, p.Ser1092Leu (NM_001406722.1); short protein forms S1587L, S3214L, S1092L, S3199L, S3231L.
Identifiers: ClinVar variation 1767807 (VCV001767807.3), dbSNP rs1593201677, ClinGen allele CA387765319.

ClinVar aggregate classification (germline): Uncertain significance. Review status: criteria provided, multiple submitters, no conflicts (2 of 4 stars). 2 submissions from 2 submitters: Uncertain significance (2). Last evaluated 2024-12-23.

Conditions:
BRCA2-related cancer predisposition. Identifiers: MedGen CN377758, MONDO:0700269.
Hereditary cancer-predisposing syndrome. Also called: Hereditary Cancer Syndrome; Hereditary neoplastic syndrome; Neoplastic Syndromes, Hereditary; Tumor predisposition. Identifiers: Orphanet 140162, MedGen C0027672, MeSH D009386, MONDO:0015356.

Allele frequency attached by ClinVar (database versions not stated): gnomAD exomes below 0.00001.
gnomAD v4.1: 2 of 1,612,062 alleles (0.00012%); highest among the groups gnomAD compares: Non-Finnish European, 0.000085%; no homozygotes.

Submissions (2):

Department of Pathology and Laboratory Medicine, Sinai Health System
Classification: Uncertain significance for BRCA2-related cancer predisposition. Last evaluated: 2024-12-23. Review status: criteria provided, single submitter. Criteria: ACMG Guidelines, 2015. Collection method: clinical testing. Allele origin: germline.

Ambry Genetics
Classification: Uncertain significance for Hereditary cancer-predisposing syndrome. Last evaluated: 2022-03-25. Review status: criteria provided, single submitter. Criteria: Ambry Variant Classification Scheme 2023. Collection method: clinical testing. Allele origin: germline.
Comment: The p.S3231L variant (also known as c.9692C>T), located in coding exon 26 of the BRCA2 gene, results from a C to T substitution at nucleotide position 9692. The serine at codon 3231 is replaced by leucine, an amino acid with dissimilar properties. This amino acid position is well conserved in available vertebrate species. In addition, this alteration is predicted to be tolerated by in silico analysis. Since supporting evidence is limited at this time, the clinical significance of this alteration remains unclear.